The following is an entry in ClinVar:

NM_000234.3(LIG1):c.777-21A>G

Gene: LIG1 (DNA ligase 1; minus strand). Cytogenetic location: 19q13.33.
Variant type: single nucleotide variant.
Coding change: c.777-21A>G on transcript NM_000234.3 (MANE Select); 21 bases into the intron before coding-DNA position 777, A replaced by G.
Molecular consequence: intron variant.
Genome position (GRCh38, 1-based): chr19:48,143,984, T>C on the plus strand (A>G on the coding strand, the complement: LIG1 is on the minus strand). VCF-style: chr19-48143984-T-C. GRCh37 (hg19) VCF-style: chr19-48647241-T-C.
Other names: c.684-21A>G (NM_001289063.2); c.687-21A>G (NM_001320971.2); c.573-21A>G (NM_001289064.2); c.774-21A>G (NM_001320970.2).
Identifiers: ClinVar variation 2628268 (VCV002628268.2), dbSNP rs3730931, ClinGen allele CA9547124.

ClinVar aggregate classification (germline): Benign (1 of 4 stars; one submission).

Allele frequency attached by ClinVar (database versions not stated): ExAC 0.12093; gnomAD 0.15207; 1000 Genomes Project 0.15875; TOPMed 0.16049; 1000 Genomes Project 30x 0.16209; ESP Exome Variant Server 0.16454.
gnomAD v4.1: 189,576 of 1,579,302 alleles (12%); highest among the groups gnomAD compares: African/African-American, 26%; 12,325 homozygotes.

Submission:

Unidad de Genómica Garrahan, Hospital de Pediatría Garrahan
Classification: Benign. Last evaluated: 2023-11-12. Review status: criteria provided, single submitter. Criteria: ACMG Guidelines, 2015. Collection method: clinical testing. Allele origin: germline. Affected: no. Observed: 23 variant alleles.
Comment: This variant is classified as Benign based on local population frequency. This variant was detected in 24% of patients studied by a panel of primary immunodeficiencies. Number of patients: 23. Only high quality variants are reported.